The following is an entry in ClinVar:

ClinVar aggregate classification (germline): Benign/Likely benign. Review status: criteria provided, multiple submitters, no conflicts (2 of 4 stars). 3 submissions from 3 submitters: Benign (1); Likely benign (2). Last evaluated 2024-07-04.

Conditions:
Cowden syndrome 6 (CWS6). Identifiers: Orphanet 201, MedGen C3554519, MONDO:0014048, OMIM 615109.

Allele frequency attached by ClinVar (database versions not stated): gnomAD exomes 0.00007 and 0.00011; ExAC 0.00009; gnomAD 0.00014 and 0.00015; TOPMed 0.00014.
gnomAD v4.1: 132 of 1,613,928 alleles (0.0082%); highest among the groups gnomAD compares: Admixed American, 0.025%; 1 homozygote.

Submissions (3):

Labcorp Genetics (formerly Invitae), Labcorp
Classification: Likely benign for Cowden syndrome 6. Last evaluated: 2024-07-04. Review status: criteria provided, single submitter. Criteria: Invitae Variant Classification Sherloc (09022015). Collection method: clinical testing. Allele origin: germline.

Mendelics
Classification: Benign for Cowden syndrome 6. Last evaluated: 2023-08-22. Review status: criteria provided, single submitter. Criteria: Mendelics Assertion Criteria 2019. Collection method: clinical testing. Allele origin: germline.

CeGaT Center for Human Genetics Tuebingen
Classification: Likely benign. Last evaluated: 2023-07-01. Review status: criteria provided, single submitter. Criteria: CeGaT Center For Human Genetics Tuebingen Variant Classification Criteria Version 2. Collection method: clinical testing. Allele origin: germline. Affected: yes. Observed: 1 variant allele.
Comment: AKT1: BS2

NM_001382430.1(AKT1):c.406G>A (p.Val136Met)

Gene: AKT1 (AKT serine/threonine kinase 1; minus strand). Cytogenetic location: 14q32.33.
Variant type: single nucleotide variant.
Coding change: c.406G>A on transcript NM_001382430.1 (MANE Select); coding-DNA position 406, G replaced by A.
Protein change: p.Val136Met; replaces valine 136 with methionine.
Molecular consequence: missense variant.
Genome position (GRCh38, 1-based): chr14:104,775,681, C>T on the plus strand (G>A on the coding strand, the complement: AKT1 is on the minus strand). VCF-style: chr14-104775681-C-T. GRCh37 (hg19) VCF-style: chr14-105242018-C-T.
Other names: c.406G>A, p.Val136Met (NM_005163.2, NM_001014431.2, NM_001014432.2 and 3 more transcripts); short protein forms V136M.
Identifiers: ClinVar variation 240112 (VCV000240112.39), dbSNP rs778376616, ClinGen allele CA7374803.